The following is an entry in ClinVar:

ClinVar aggregate classification (germline): Uncertain significance (1 of 4 stars; one submission).

Submission:

GeneDx
Classification: Uncertain significance. Last evaluated: 2025-08-03. Review status: criteria provided, single submitter. Criteria: GeneDx Variant Classification Process June 2021. Collection method: clinical testing. Allele origin: germline. Affected: yes.
Comment: Not observed at significant frequency in large population cohorts (gnomAD); In silico analysis supports a deleterious effect on splicing; Has not been previously published as pathogenic or benign to our knowledge

NM_016035.5(COQ4):c.532+5G>A

Gene: COQ4 (coenzyme Q4; plus strand). Cytogenetic location: 9q34.11.
Variant type: single nucleotide variant.
Coding change: c.532+5G>A on transcript NM_016035.5 (MANE Select); 5 bases into the intron after coding-DNA position 532, G replaced by A.
Molecular consequence: intron variant.
Genome position (GRCh38, 1-based): chr9:128,332,287, G>A. VCF-style: chr9-128332287-G-A. GRCh37 (hg19) VCF-style: chr9-131094566-G-A.
Other names: c.*3-1187G>A (NM_001305942.2).
Identifiers: ClinVar variation 4755847 (VCV004755847.1).
Genomic context (GRCh38, chr9:128,332,287, plus strand): 5'-CCGGGAGGTGCACGACATGCTTCACACCCTGCTGGGGATGCCCACCAACATCCTGGGTGA[G>A]TGCCCCCAACCCTGATGGCCTGTCTCCCTGGGGTGGCTTCAGGGCCAGGGCAGGGCTTGC-3'